The following is an entry in ClinVar:

NM_000362.5(TIMP3):c.410A>G (p.Tyr137Cys)

Genes: SYN3 (synapsin III; minus strand), TIMP3 (TIMP metallopeptidase inhibitor 3; plus strand). Cytogenetic location: 22q12.3.
Variant type: single nucleotide variant.
Coding change: c.410A>G on transcript NM_000362.5 (MANE Select); coding-DNA position 410, A replaced by G.
Protein change: p.Tyr137Cys; replaces tyrosine 137 with cysteine.
Molecular consequence: missense variant. On other transcripts: intron variant (7).
Genome position (GRCh38, 1-based): chr22:32,858,110, A>G. VCF-style: chr22-32858110-A-G. GRCh37 (hg19) VCF-style: chr22-33254097-A-G.
Other names: c.708+6805T>C (NM_001369909.1, NM_001135774.2, NM_001369910.1); c.711+6805T>C (NM_001369907.1, NM_003490.4, NM_001369908.1 and 1 more transcripts); short protein forms Y137C.
Identifiers: ClinVar variation 1300334 (VCV001300334.28), dbSNP rs2048424649, ClinGen allele CA411539826.

ClinVar aggregate classification (germline): Conflicting classifications of pathogenicity. Review status: criteria provided, conflicting classifications (1 of 4 stars). 4 submissions from 4 submitters: Likely pathogenic (1); Uncertain significance (3). Last evaluated 2023-07-01.

Conditions:
Retinal dystrophy. Also called: Inherited retinal dystrophy. Identifiers: Orphanet 71862, MedGen C0854723, MeSH D058499, MONDO:0019118, HP:0000556.

Submissions (4):

CeGaT Center for Human Genetics Tuebingen
Classification: Uncertain significance. Last evaluated: 2023-07-01. Review status: criteria provided, single submitter. Criteria: CeGaT Center For Human Genetics Tuebingen Variant Classification Criteria Version 2. Collection method: clinical testing. Allele origin: germline. Affected: yes. Observed: 1 variant allele.
Comment: TIMP3: PM2, PS4:Supporting

Blueprint Genetics
Classification: Uncertain significance. Last evaluated: 2022-08-30. Review status: criteria provided, single submitter. Criteria: ACMG Guidelines, 2015. Collection method: clinical testing. Allele origin: germline.

Institute of Human Genetics, Univ. Regensburg, Univ. Regensburg
Classification: Likely pathogenic for Retinal dystrophy. Last evaluated: 2021-01-01. Review status: criteria provided, single submitter. Criteria: ACMG Guidelines, 2015. Collection method: clinical testing. Allele origin: germline. Affected: yes.

GeneDx
Classification: Uncertain significance. Last evaluated: 2019-03-19. Review status: criteria provided, single submitter. Criteria: GeneDx Variant Classification Process June 2021. Collection method: clinical testing. Allele origin: germline. Affected: yes.
Comment: Not observed in large population cohorts (Lek et al., 2016; McVean et al., 2012; Exome Variant Server); In silico analysis, which includes splice predictors and evolutionary conservation, supports a deleterious effect; Has not been previously published as pathogenic or benign to our knowledge; This variant is associated with the following publications: (PMID: 32715858)

Literature cited by the submitters: PubMed 32715858 (cited by Institute of Human Genetics, Univ. Regensburg, Univ. Regensburg).